The following is an entry in ClinVar:

ClinVar aggregate classification (germline): Conflicting classifications of pathogenicity. Review status: criteria provided, conflicting classifications (1 of 4 stars). 5 submissions from 5 submitters: Uncertain significance (2); Benign (1); Likely benign (1). 1 of the submissions does not count toward it. Last evaluated 2026-01-06.

Conditions:
ANKRD26-related disorder. Also called: ANKRD26-related condition.
Inborn genetic diseases. Identifiers: MedGen C0950123, MeSH D030342.

Allele frequency attached by ClinVar (database versions not stated): gnomAD exomes 0.00005 and 0.00010; ExAC 0.00023; ESP Exome Variant Server 0.00026; gnomAD 0.00047 and 0.00052; 1000 Genomes Project 0.00060; TOPMed 0.00060; 1000 Genomes Project 30x 0.00062.
gnomAD v4.1: 140 of 1,432,818 alleles (0.0098%); highest among the groups gnomAD compares: African/African-American, 0.16%; no homozygotes.

Submissions (5):

Labcorp Genetics (formerly Invitae), Labcorp
Classification: Benign. Last evaluated: 2026-01-06. Review status: criteria provided, single submitter. Criteria: Invitae Variant Classification Sherloc (09022015). Collection method: clinical testing. Allele origin: germline.

Ambry Genetics
Classification: Likely benign for Inborn genetic diseases. Last evaluated: 2024-10-02. Review status: criteria provided, single submitter. Criteria: Ambry Variant Classification Scheme 2023. Collection method: clinical testing. Allele origin: germline.

Blueprint Genetics
Classification: Uncertain significance. Last evaluated: 2024-02-12. Review status: criteria provided, single submitter. Criteria: ACMG Guidelines, 2015. Collection method: clinical testing. Allele origin: germline.

GeneDx
Classification: Uncertain significance. Last evaluated: 2021-04-06. Review status: criteria provided, single submitter. Criteria: GeneDx Variant Classification Process June 2021. Collection method: clinical testing. Allele origin: germline. Affected: yes.
Comment: In silico analysis supports that this variant does not alter splicing; Has not been previously published as pathogenic or benign to our knowledge

PreventionGenetics, part of Exact Sciences
Classification: Likely benign for ANKRD26-related condition. Last evaluated: 2019-04-30. Review status: no assertion criteria provided. Collection method: clinical testing. Allele origin: germline. Not counted in ClinVar's aggregate classification.
Comment: This variant is classified as likely benign based on ACMG/AMP sequence variant interpretation guidelines (Richards et al. 2015 PMID: 25741868, with internal and published modifications).

NM_014915.3(ANKRD26):c.1998A>G (p.Lys666=)

Gene: ANKRD26 (ankyrin repeat domain 26; minus strand). Cytogenetic location: 10p12.1.
Variant type: single nucleotide variant.
Coding change: c.1998A>G on transcript NM_014915.3 (MANE Select); coding-DNA position 1998, A replaced by G.
Protein change: p.Lys666=; no amino-acid change (lysine 666 retained).
Molecular consequence: synonymous variant.
Genome position (GRCh38, 1-based): chr10:27,044,178, T>C on the plus strand (A>G on the coding strand, the complement: ANKRD26 is on the minus strand). VCF-style: chr10-27044178-T-C. GRCh37 (hg19) VCF-style: chr10-27333107-T-C.
Other names: c.1995A>G, p.Lys665= (NM_001256053.2).
Identifiers: ClinVar variation 1314635 (VCV001314635.10), dbSNP rs372489280, ClinGen allele CA5448332.
Genomic context (GRCh38, chr10:27,044,178, plus strand): 5'-TTTTAAACAATAATTTTGATAATTTATTTTTTACAGTACCTTGTTCTTTTCATTAGATGT[T>C]TTCTTAGTAGGCCTAAAAAAAAAAAATACCTTTCAGGCAAATAGTAAACATGTAAAATGC-3'
Protein context (NP_055730.2, residues 656-676): IDEDEGRPTK[Lys666=]TSNEKNKVKN